The following is an entry in ClinVar:

ClinVar aggregate classification (germline): Uncertain significance (1 of 4 stars; one submission).

gnomAD v4.1: 28 of 1,613,498 alleles (0.0017%); highest among the groups gnomAD compares: Non-Finnish European, 0.0024%; no homozygotes.

Submission:

Labcorp Genetics (formerly Invitae), Labcorp
Classification: Uncertain significance. Last evaluated: 2024-10-30. Review status: criteria provided, single submitter. Criteria: Invitae Variant Classification Sherloc (09022015). Collection method: clinical testing. Allele origin: germline.
Comment: This sequence change replaces glycine, which is neutral and non-polar, with valine, which is neutral and non-polar, at codon 1979 of the COL7A1 protein (p.Gly1979Val). This variant is present in population databases (no rsID available, gnomAD 0.007%). This variant has not been reported in the literature in individuals affected with COL7A1-related conditions. Invitae Evidence Modeling of protein sequence and biophysical properties (such as structural, functional, and spatial information, amino acid conservation, physicochemical variation, residue mobility, and thermodynamic stability) indicates that this missense variant is expected to disrupt COL7A1 protein function with a positive predictive value of 80%. In summary, the available evidence is currently insufficient to determine the role of this variant in disease. Therefore, it has been classified as a Variant of Uncertain Significance.

NM_000094.4(COL7A1):c.5936G>T (p.Gly1979Val)

Gene: COL7A1 (collagen type VII alpha 1 chain; minus strand). Cytogenetic location: 3p21.31.
Variant type: single nucleotide variant.
Coding change: c.5936G>T on transcript NM_000094.4 (MANE Select); coding-DNA position 5936, G replaced by T.
Protein change: p.Gly1979Val; replaces glycine 1979 with valine.
Molecular consequence: missense variant.
Genome position (GRCh38, 1-based): chr3:48,575,669, C>A on the plus strand (G>T on the coding strand, the complement: COL7A1 is on the minus strand). VCF-style: chr3-48575669-C-A. GRCh37 (hg19) VCF-style: chr3-48613102-C-A.
Other names: short protein forms G1979V.
Identifiers: ClinVar variation 3708680 (VCV003708680.2).